The following is an entry in ClinVar:

NM_002206.3(ITGA7):c.254C>T (p.Ala85Val)

Gene: ITGA7 (integrin subunit alpha 7; minus strand). Cytogenetic location: 12q13.2.
Variant type: single nucleotide variant.
Coding change: c.254C>T on transcript NM_002206.3 (MANE Select); coding-DNA position 254, C replaced by T.
Protein change: p.Ala85Val; replaces alanine 85 with valine.
Molecular consequence: missense variant. On other transcripts: 5 prime UTR variant (3), intron variant (1).
Genome position (GRCh38, 1-based): chr12:55,703,131, G>A on the plus strand (C>T on the coding strand, the complement: ITGA7 is on the minus strand). VCF-style: chr12-55703131-G-A. GRCh37 (hg19) VCF-style: chr12-56096915-G-A.
Other names: c.254C>T (NM_002206.2); c.254C>T, p.Ala85Val (NM_001144996.2, NM_001374465.1, NM_001410977.1 and 6 more transcripts); c.-86C>T (NM_001367993.1, NM_001414035.1); c.-919C>T (NM_001367994.1); c.86-1715C>T (NM_001144997.2); short protein forms A85V.
Identifiers: ClinVar variation 1412589 (VCV001412589.9), dbSNP rs150476577, ClinGen allele CA6616410.

ClinVar aggregate classification (germline): Uncertain significance. Review status: criteria provided, multiple submitters, no conflicts (2 of 4 stars). 2 submissions from 2 submitters: Uncertain significance (2). Last evaluated 2024-12-25.

Conditions:
Congenital muscular dystrophy due to integrin alpha-7 deficiency. Also called: Congenital muscular dystrophy with integrin alpha-7 deficiency; MYOPATHY, CONGENITAL, DUE TO INTEGRIN ALPHA-7 DEFICIENCY; Muscular dystrophy, congenital, due to ITGA7 deficiency. Identifiers: Orphanet 34520, MedGen C2750786, MONDO:0013177, OMIM 613204.

Allele frequency attached by ClinVar (database versions not stated): gnomAD 0.00003 and 0.00004; gnomAD exomes 0.00003 and 0.00006; TOPMed 0.00003; ExAC 0.00004; ESP Exome Variant Server 0.00008.
gnomAD v4.1: 46 of 1,613,186 alleles (0.0029%); highest among the groups gnomAD compares: South Asian, 0.04%; 2 homozygotes.

Submissions (2):

Ambry Genetics
Classification: Uncertain significance. Last evaluated: 2024-12-25. Review status: criteria provided, single submitter. Criteria: Ambry Variant Classification Scheme 2023. Collection method: clinical testing. Allele origin: germline.

Labcorp Genetics (formerly Invitae), Labcorp
Classification: Uncertain significance for Congenital muscular dystrophy due to integrin alpha-7 deficiency. Last evaluated: 2024-02-20. Review status: criteria provided, single submitter. Criteria: Invitae Variant Classification Sherloc (09022015). Collection method: clinical testing. Allele origin: germline.
Comment: This sequence change replaces alanine, which is neutral and non-polar, with valine, which is neutral and non-polar, at codon 85 of the ITGA7 protein (p.Ala85Val). This variant is present in population databases (rs150476577, gnomAD 0.03%). This variant has not been reported in the literature in individuals affected with ITGA7-related conditions. ClinVar contains an entry for this variant (Variation ID: 1412589). An algorithm developed to predict the effect of missense changes on protein structure and function (PolyPhen-2) suggests that this variant is likely to be disruptive. In summary, the available evidence is currently insufficient to determine the role of this variant in disease. Therefore, it has been classified as a Variant of Uncertain Significance.